The following is an entry in ClinVar:

ClinVar aggregate classification (germline): Uncertain significance. Review status: criteria provided, multiple submitters, no conflicts (2 of 4 stars). 2 submissions from 2 submitters: Uncertain significance (2). Last evaluated 2024-12-03.

Conditions:
Hypertrophic cardiomyopathy. Also called: HYPERTROPHIC MYOCARDIOPATHY. Identifiers: Orphanet 217569, MedGen C0007194, MeSH D002312, MONDO:0005045, HP:0001639.

Allele frequency attached by ClinVar (database versions not stated): gnomAD 0.00001; gnomAD exomes 0.00001.

Submissions (2):

Ambry Genetics
Classification: Uncertain significance. Last evaluated: 2024-12-03. Review status: criteria provided, single submitter. Criteria: Ambry Variant Classification Scheme 2023. Collection method: clinical testing. Allele origin: germline.

Labcorp Genetics (formerly Invitae), Labcorp
Classification: Uncertain significance for Hypertrophic cardiomyopathy. Last evaluated: 2023-02-14. Review status: criteria provided, single submitter. Criteria: Invitae Variant Classification Sherloc (09022015). Collection method: clinical testing. Allele origin: germline.
Comment: In summary, the available evidence is currently insufficient to determine the role of this variant in disease. Therefore, it has been classified as a Variant of Uncertain Significance. Advanced modeling of protein sequence and biophysical properties (such as structural, functional, and spatial information, amino acid conservation, physicochemical variation, residue mobility, and thermodynamic stability) has been performed at Invitae for this missense variant, however the output from this modeling did not meet the statistical confidence thresholds required to predict the impact of this variant on MYOM1 protein function. This variant has not been reported in the literature in individuals affected with MYOM1-related conditions. This variant is present in population databases (no rsID available, gnomAD 0.02%). This sequence change replaces asparagine, which is neutral and polar, with serine, which is neutral and polar, at codon 522 of the MYOM1 protein (p.Asn522Ser).

NM_003803.4(MYOM1):c.1565A>G (p.Asn522Ser)

Gene: MYOM1 (myomesin 1; minus strand). Cytogenetic location: 18p11.31.
Variant type: single nucleotide variant.
Coding change: c.1565A>G on transcript NM_003803.4 (MANE Select); coding-DNA position 1565, A replaced by G.
Protein change: p.Asn522Ser; replaces asparagine 522 with serine.
Molecular consequence: missense variant.
Genome position (GRCh38, 1-based): chr18:3,155,025, T>C on the plus strand (A>G on the coding strand, the complement: MYOM1 is on the minus strand). VCF-style: chr18-3155025-T-C. GRCh37 (hg19) VCF-style: chr18-3155023-T-C.
Other names: c.1565A>G, p.Asn522Ser (NM_019856.2); short protein forms N522S.
Identifiers: ClinVar variation 2871963 (VCV002871963.5), dbSNP rs1445038475, ClinGen allele CA401714591.